The following is an entry in ClinVar:

NM_001614.5(ACTG1):c.367_368del (p.Met123fs)

Gene: ACTG1 (actin gamma 1; minus strand). Cytogenetic location: 17q25.3.
Variant type: Deletion.
Coding change: c.367_368del on transcript NM_001614.5 (MANE Select); coding-DNA positions 367 to 368, 2 bases deleted (AT; older notation c.367_368delAT).
Protein change: p.Met123fs; shifts the reading frame from methionine 123.
Molecular consequence: frameshift variant. On other transcripts: non-coding transcript variant (1).
Genome position (GRCh38, 1-based): chr17:81,511,622-81,511,623, AT deleted on the plus strand (AT on the coding strand, the reverse complement: ACTG1 is on the minus strand); deleting any 2 consecutive bases within chr17:81,511,622-81,511,624 gives the same sequence; the c. name uses the placement nearest the transcript's 3' end. VCF-style (leftmost placement, unchanged base first): chr17-81511621-CAT-C. GRCh37 (hg19) VCF-style: chr17-79478647-CAT-C.
Other names: c.367_368del, p.Met123fs (NM_001199954.3); short protein forms M123fs.
Identifiers: ClinVar variation 4782927 (VCV004782927.1).

ClinVar aggregate classification (germline): Uncertain significance (1 of 4 stars; one submission).

Conditions:
Autosomal dominant nonsyndromic hearing loss 20. Identifiers: Orphanet 90635, MedGen C1858172, MONDO:0011480, OMIM 604717.
Baraitser-winter syndrome 2. Identifiers: Orphanet 2995, MedGen C3281235, MONDO:0013812, OMIM 614583.

Submission:

Labcorp Genetics (formerly Invitae), Labcorp
Classification: Uncertain significance for Baraitser-winter syndrome 2; Autosomal dominant nonsyndromic hearing loss 20. Last evaluated: 2025-10-22. Review status: criteria provided, single submitter. Criteria: Invitae Variant Classification Sherloc (09022015). Collection method: clinical testing. Allele origin: germline.
Comment: This sequence change creates a premature translational stop signal (p.Met123Valfs*2) in the ACTG1 gene. It is expected to result in an absent or disrupted protein product. However, the current clinical and genetic evidence is not sufficient to establish whether loss-of-function variants in ACTG1 cause disease. This variant is not present in population databases (gnomAD no frequency). This variant has not been reported in the literature in individuals affected with ACTG1-related conditions. In summary, the available evidence is currently insufficient to determine the role of this variant in disease. Therefore, it has been classified as a Variant of Uncertain Significance.